The following is an entry in ClinVar:

NM_001370259.2(MEN1):c.-1C>T

Gene: MEN1 (menin 1; minus strand). Cytogenetic location: 11q13.1.
Variant type: single nucleotide variant.
Coding change: c.-1C>T on transcript NM_001370259.2 (MANE Select); 1 bases upstream of the start codon, C replaced by T.
Molecular consequence: 5 prime UTR variant. On other transcripts: non-coding transcript variant (4).
Genome position (GRCh38, 1-based): chr11:64,810,110, G>A on the plus strand (C>T on the coding strand, the complement: MEN1 is on the minus strand). VCF-style: chr11-64810110-G-A. GRCh37 (hg19) VCF-style: chr11-64577582-G-A.
Other names: c.-1C>T (NM_000244.4, NM_001370251.2, NM_001370260.2 and 20 more transcripts).
Identifiers: ClinVar variation 1784196 (VCV001784196.2), dbSNP rs2497292643, ClinGen allele CA2580084470.
Genomic context (GRCh38, chr11:64,810,110, plus strand): 5'-CACCACGTCGTCGATGGAGCGCAGCGGGAACAGCGTCTTCTGGGCGGCCTTCAGCCCCAT[G>A]GCGGCGGGCGGTGGGCGGCGGCCTGCAAGGCAAGCCGGGGGAGGGAGGGTCGGGCAGGTT-3'

ClinVar aggregate classification (germline): Uncertain significance (1 of 4 stars; one submission).

Conditions:
Hereditary cancer-predisposing syndrome. Also called: Neoplastic Syndromes, Hereditary; Tumor predisposition; Hereditary Cancer Syndrome; Hereditary neoplastic syndrome. Identifiers: Orphanet 140162, MedGen C0027672, MeSH D009386, MONDO:0015356.

gnomAD v4.1: 1 of 1,569,662 alleles (0.000064%); highest among the groups gnomAD compares: Non-Finnish European, 0.000086%; no homozygotes.

Submission:

Ambry Genetics
Classification: Uncertain significance for Hereditary cancer-predisposing syndrome. Last evaluated: 2021-12-27. Review status: criteria provided, single submitter. Criteria: Ambry Variant Classification Scheme 2023. Collection method: clinical testing. Allele origin: germline.
Comment: The c.-1C>T variant is located in the 5' untranslated region (5&rsquo; UTR) of the MEN1 gene. This variant results from a C to T substitution 1 bases upstream from the first translated codon. This nucleotide position is highly conserved in available vertebrate species. Since supporting evidence is limited at this time, the clinical significance of this alteration remains unclear.